The following is an entry in ClinVar:

ClinVar aggregate classification (germline): Likely benign (1 of 4 stars; one submission).

Allele frequency attached by ClinVar (database versions not stated): 1000 Genomes Project 30x 0.00062; 1000 Genomes Project 0.00080; TOPMed 0.00143; ESP Exome Variant Server 0.00175; gnomAD 0.00281.
gnomAD v4.1: 2,454 of 912,326 alleles (0.27%); highest among the groups gnomAD compares: Non-Finnish European, 0.29%; 13 homozygotes.

Submission:

GeneDx
Classification: Likely benign. Last evaluated: 2018-06-19. Review status: criteria provided, single submitter. Criteria: GeneDx Variant Classification (06012015). Collection method: clinical testing. Allele origin: germline. Affected: yes.
Comment: This variant is considered likely benign or benign based on one or more of the following criteria: it is a conservative change, it occurs at a poorly conserved position in the protein, it is predicted to be benign by multiple in silico algorithms, and/or has population frequency not consistent with disease.

NM_001035.3(RYR2):c.11476+60A>G

Gene: RYR2 (ryanodine receptor 2; plus strand). Cytogenetic location: 1q43.
Variant type: single nucleotide variant.
Coding change: c.11476+60A>G on transcript NM_001035.3 (MANE Select); 60 bases into the intron after coding-DNA position 11476, A replaced by G.
Molecular consequence: intron variant.
Genome position (GRCh38, 1-based): chr1:237,761,088, A>G. VCF-style: chr1-237761088-A-G. GRCh37 (hg19) VCF-style: chr1-237924388-A-G.
Identifiers: ClinVar variation 675438 (VCV000675438.1), dbSNP rs370218530, ClinGen allele CA39832701.